The following is an entry in ClinVar:

NM_004415.4(DSP):c.3864G>T (p.Lys1288Asn)

Gene: DSP (desmoplakin; plus strand). Cytogenetic location: 6p24.3.
Variant type: single nucleotide variant.
Coding change: c.3864G>T on transcript NM_004415.4 (MANE Select); coding-DNA position 3864, G replaced by T.
Protein change: p.Lys1288Asn; replaces lysine 1288 with asparagine.
Molecular consequence: missense variant. On other transcripts: intron variant (1).
Genome position (GRCh38, 1-based): chr6:7,580,054, G>T. VCF-style: chr6-7580054-G-T. GRCh37 (hg19) VCF-style: chr6-7580287-G-T.
Other names: c.3864G>T, p.Lys1288Asn (NM_001319034.2); c.3582+282G>T (NM_001008844.3); short protein forms K1288N.
Identifiers: ClinVar variation 1061650 (VCV001061650.14), dbSNP rs768166626, ClinGen allele CA133968942.

ClinVar aggregate classification (germline): Uncertain significance. Review status: criteria provided, multiple submitters, no conflicts (2 of 4 stars). 3 submissions from 3 submitters: Uncertain significance (3). Last evaluated 2025-09-16.

Conditions:
Arrhythmogenic cardiomyopathy with wooly hair and keratoderma. Also called: Arrhythmogenic cardiomyopathy with woolly hair and keratoderma; Carvajal syndrome; Dilated cardiomyopathy with woolly hair and keratoderma; PALMOPLANTAR KERATODERMA WITH LEFT VENTRICULAR CARDIOMYOPATHY AND WOOLLY HAIR. Identifiers: Orphanet 65282, MedGen C1854063, MONDO:0011581, OMIM 605676.
Arrhythmogenic right ventricular dysplasia 8 (ARVD8). Also called: Arrhythmogenic Right Ventricular Dysplasia/Cardiomyopathy 8; ARRHYTHMOGENIC RIGHT VENTRICULAR DYSPLASIA, FAMILIAL, 8; ARRHYTHMOGENIC RIGHT VENTRICULAR CARDIOMYOPATHY 8. Identifiers: MedGen C1843896, MONDO:0011831, OMIM 607450.
Cardiovascular phenotype. Identifiers: MedGen CN230736.
Cardiomyopathy (CMYO). Also called: Cardiomyopathies. Identifiers: Orphanet 167848, MedGen C0878544, MONDO:0004994, HP:0001638. Inheritance: Various modes of inheritance.

Allele frequency attached by ClinVar (database versions not stated): TOPMed 0.00004.
gnomAD v4.1: 8 of 1,613,932 alleles (0.0005%); highest among the groups gnomAD compares: African/African-American, 0.011%; no homozygotes.

Submissions (3):

Labcorp Genetics (formerly Invitae), Labcorp
Classification: Uncertain significance for Arrhythmogenic cardiomyopathy with wooly hair and keratoderma; Arrhythmogenic right ventricular dysplasia 8. Last evaluated: 2025-09-16. Review status: criteria provided, single submitter. Criteria: Invitae Variant Classification Sherloc (09022015). Collection method: clinical testing. Allele origin: germline.
Comment: This sequence change replaces lysine, which is basic and polar, with asparagine, which is neutral and polar, at codon 1288 of the DSP protein (p.Lys1288Asn). This variant is not present in population databases (gnomAD no frequency). This variant has not been reported in the literature in individuals affected with DSP-related conditions. ClinVar contains an entry for this variant (Variation ID: 1061650). An algorithm developed to predict the effect of missense changes on protein structure and function (PolyPhen-2) suggests that this variant is likely to be tolerated. In summary, the available evidence is currently insufficient to determine the role of this variant in disease. Therefore, it has been classified as a Variant of Uncertain Significance.

Ambry Genetics
Classification: Uncertain significance for Cardiovascular phenotype. Last evaluated: 2023-05-18. Review status: criteria provided, single submitter. Criteria: Ambry Variant Classification Scheme 2023. Collection method: clinical testing. Allele origin: germline.
Comment: The p.K1288N variant (also known as c.3864G>T), located in coding exon 23 of the DSP gene, results from a G to T substitution at nucleotide position 3864. The lysine at codon 1288 is replaced by asparagine, an amino acid with similar properties. This amino acid position is not well conserved in available vertebrate species. In addition, the in silico prediction for this alteration is inconclusive. Since supporting evidence is limited at this time, the clinical significance of this alteration remains unclear.

Color Diagnostics, LLC DBA Color Health
Classification: Uncertain significance for Cardiomyopathy. Last evaluated: 2022-11-06. Review status: criteria provided, single submitter. Criteria: ACMG Guidelines, 2015. Collection method: clinical testing. Allele origin: germline.
Comment: This missense variant replaces lysine with asparagine at codon 1288 of the DSP protein. Computational prediction is inconclusive regarding the impact of this variant on protein structure and function (internally defined REVEL score threshold 0.5 < inconclusive < 0.7, PMID: 27666373). To our knowledge, functional studies have not been reported for this variant. This variant has not been reported in individuals affected with DSP-related disorders in the literature. This variant has not been identified in the general population by the Genome Aggregation Database (gnomAD). The available evidence is insufficient to determine the role of this variant in disease conclusively. Therefore, this variant is classified as a Variant of Uncertain Significance.